The following is an entry in ClinVar:

ClinVar aggregate classification (germline): Conflicting classifications of pathogenicity. Review status: criteria provided, conflicting classifications (1 of 4 stars). 4 submissions from 4 submitters: Uncertain significance (1); Likely benign (2). 1 of the submissions does not count toward it. Last evaluated 2025-12-18.

Conditions:
Polycystic kidney disease 2 (PKD2). Also called: Polycystic Kidney Disease 2, Autosomal Dominant; POLYCYSTIC KIDNEY DISEASE, ADULT, TYPE II; POLYCYSTIC KIDNEY DISEASE 2 WITH OR WITHOUT POLYCYSTIC LIVER DISEASE. Identifiers: MedGen C2751306, MONDO:0013131, OMIM 613095.
Autosomal dominant polycystic kidney disease. Identifiers: Orphanet 730, MedGen C0085413, MONDO:0004691.
PKD2-related disorder. Also called: PKD2-related condition.

Allele frequency attached by ClinVar (database versions not stated): gnomAD 0.00001; ExAC 0.00002; TOPMed 0.00002; gnomAD exomes 0.00003 and 0.00004.
gnomAD v4.1: 66 of 1,613,970 alleles (0.0041%); highest among the groups gnomAD compares: Non-Finnish European, 0.0052%; no homozygotes.

Submissions (4):

Mayo Clinic Laboratories, Mayo Clinic
Classification: Likely benign. Last evaluated: 2025-12-18. Review status: criteria provided, single submitter. Criteria: ACMG Guidelines, 2015. Collection method: clinical testing. Allele origin: germline. Observed: 2 variant alleles.
Comment: BP4, BP5, BP7

Labcorp Genetics (formerly Invitae), Labcorp
Classification: Likely benign for Autosomal dominant polycystic kidney disease. Last evaluated: 2025-11-17. Review status: criteria provided, single submitter. Criteria: Invitae Variant Classification Sherloc (09022015). Collection method: clinical testing. Allele origin: germline.

Illumina Laboratory Services, Illumina
Classification: Uncertain significance for Polycystic kidney disease 2. Last evaluated: 2017-04-27. Review status: criteria provided, single submitter. Criteria: ICSL Variant Classification Criteria 13 December 2019. Collection method: clinical testing. Allele origin: germline.

PreventionGenetics, part of Exact Sciences
Classification: Likely benign for PKD2-related condition. Last evaluated: 2019-06-12. Review status: no assertion criteria provided. Collection method: clinical testing. Allele origin: germline. Not counted in ClinVar's aggregate classification.
Comment: This variant is classified as likely benign based on ACMG/AMP sequence variant interpretation guidelines (Richards et al. 2015 PMID: 25741868, with internal and published modifications).

NM_000297.4(PKD2):c.945G>A (p.Leu315=)

Gene: PKD2 (polycystin 2, transient receptor potential cation channel; plus strand). Cytogenetic location: 4q22.1.
Variant type: single nucleotide variant.
Coding change: c.945G>A on transcript NM_000297.4 (MANE Select); coding-DNA position 945, G replaced by A.
Protein change: p.Leu315=; no amino-acid change (leucine 315 retained).
Molecular consequence: synonymous variant. On other transcripts: non-coding transcript variant (1).
Genome position (GRCh38, 1-based): chr4:88,038,352, G>A. VCF-style: chr4-88038352-G-A. GRCh37 (hg19) VCF-style: chr4-88959504-G-A.
Other names: p.Leu315=.
Identifiers: ClinVar variation 907301 (VCV000907301.9), dbSNP rs201789789, ClinGen allele CA3003846.
Genomic context (GRCh38, chr4:88,038,352, plus strand): 5'-GCAGCCCAGCAACCAGACTGAAGCTGACAACCGAAGTTTCATCTTCTATGAGAACCTGCT[G>A]TTAGGGGTTCCACGAATACGGCAACTCCGAGTCAGAAATGGATCCTGCTCTATCCCCCAG-3'
Protein context (NP_000288.1, residues 305-325): NRSFIFYENL[Leu315=]LGVPRIRQLR